The following is an entry in ClinVar:

ClinVar aggregate classification (germline): Likely benign (1 of 4 stars; one submission).

Conditions:
Intellectual developmental disorder with or without epilepsy or cerebellar ataxia. Identifiers: MedGen C4748041, MONDO:0060745, OMIM 618060.

Allele frequency attached by ClinVar (database versions not stated): gnomAD exomes below 0.00001.
gnomAD v4.1: 2 of 1,613,014 alleles (0.00012%); highest among the groups gnomAD compares: East Asian, 0.0045%; no homozygotes.

Submission:

3billion
Classification: Likely benign for Intellectual developmental disorder with or without epilepsy or cerebellar ataxia. Last evaluated: 2021-10-25. Review status: criteria provided, single submitter. Criteria: ACMG Guidelines, 2015. Collection method: clinical testing. Allele origin: unknown. Affected: yes. Observed: 1 heterozygote.
Comment: This varant is not observed in the gnomAD v2.1.1 dataset (PM2). It has been reported in unaffected individuals and patients with other molecular diagnosis in 3billion dataset (BS2, BP5). Therfore this variant is classfiied likely benign according to the recommendation of ACMG/AMP guideline.

NM_134261.3(RORA):c.1355C>T (p.Ala452Val)

Genes: RORA (RAR related orphan receptor A; minus strand), RORA-AS1 (RORA antisense RNA 1; plus strand). Cytogenetic location: 15q22.2.
Variant type: single nucleotide variant.
Coding change: c.1355C>T on transcript NM_134261.3 (MANE Select); coding-DNA position 1355, C replaced by T.
Protein change: p.Ala452Val; replaces alanine 452 with valine.
Molecular consequence: missense variant.
Genome position (GRCh38, 1-based): chr15:60,499,944, G>A on the plus strand (C>T on the coding strand, the complement: RORA is on the minus strand). VCF-style: chr15-60499944-G-A. GRCh37 (hg19) VCF-style: chr15-60792143-G-A.
Other names: c.1430C>T, p.Ala477Val (NM_002943.4); c.1454C>T, p.Ala485Val (NM_134260.3); c.1190C>T, p.Ala397Val (NM_134262.3); short protein forms A397V, A452V, A477V, A485V.
Identifiers: ClinVar variation 1321271 (VCV001321271.1), dbSNP rs2065278310, ClinGen allele CA392667165.